The following is an entry in ClinVar:

NM_006031.6(PCNT):c.2929T>G (p.Ser977Ala)

Gene: PCNT (pericentrin; plus strand). Cytogenetic location: 21q22.3.
Variant type: single nucleotide variant.
Coding change: c.2929T>G on transcript NM_006031.6 (MANE Select); coding-DNA position 2929, T replaced by G.
Protein change: p.Ser977Ala; replaces serine 977 with alanine.
Molecular consequence: missense variant.
Genome position (GRCh38, 1-based): chr21:46,366,903, T>G. VCF-style: chr21-46366903-T-G. GRCh37 (hg19) VCF-style: chr21-47786818-T-G.
Other names: c.2575T>G, p.Ser859Ala (NM_001315529.2); short protein forms S859A, S977A.
Identifiers: ClinVar variation 2636722 (VCV002636722.2), dbSNP rs748227019, ClinGen allele CA10079134.

ClinVar aggregate classification (germline): Uncertain significance (1 of 4 stars; one submission).

Conditions:
PCNT-related disorder. Also called: PCNT-related condition.

Allele frequency attached by ClinVar (database versions not stated): TOPMed 0.00003.
gnomAD v4.1: 7 of 1,614,108 alleles (0.00043%); highest among the groups gnomAD compares: African/African-American, 0.008%; no homozygotes.

Submission:

PreventionGenetics, part of Exact Sciences
Classification: Uncertain significance for PCNT-related condition. Last evaluated: 2025-04-04. Review status: criteria provided, single submitter. Criteria: ACMG Guidelines, 2015. Collection method: clinical testing. Allele origin: germline.
Comment: The PCNT c.2929T>G variant is predicted to result in the amino acid substitution p.Ser977Ala. To our knowledge, this variant has not been reported in the literature. This variant is reported in 0.0080% of alleles in individuals of African descent in gnomAD. At this time, the clinical significance of this variant is uncertain due to the absence of conclusive functional and genetic evidence.